The following is an entry in ClinVar:

ClinVar aggregate classification (germline): Benign/Likely benign. Review status: criteria provided, multiple submitters, no conflicts (2 of 4 stars). 4 submissions from 4 submitters: Benign (2); Likely benign (1). 1 of the submissions does not count toward it. Last evaluated 2026-01-24.

Conditions:
LRRC8A-related disorder. Also called: LRRC8A-related condition.

Allele frequency attached by ClinVar (database versions not stated): gnomAD exomes 0.00036 and 0.00095; ExAC 0.00116; gnomAD 0.00334 and 0.00361; TOPMed 0.00380; 1000 Genomes Project 0.00439; ESP Exome Variant Server 0.00454; 1000 Genomes Project 30x 0.00578.
gnomAD v4.1: 1,050 of 1,614,132 alleles (0.065%); highest among the groups gnomAD compares: African/African-American, 1.3%; 4 homozygotes.

Submissions (4):

Labcorp Genetics (formerly Invitae), Labcorp
Classification: Benign. Last evaluated: 2026-01-24. Review status: criteria provided, single submitter. Criteria: Invitae Variant Classification Sherloc (09022015). Collection method: clinical testing. Allele origin: germline.

Blueprint Genetics
Classification: Likely benign. Last evaluated: 2024-11-01. Review status: criteria provided, single submitter. Criteria: ACMG Guidelines, 2015. Collection method: clinical testing. Allele origin: germline.

Breakthrough Genomics
Classification: Benign. Review status: criteria provided, single submitter. Criteria: ACMG Guidelines, 2015. Collection method: not provided. Allele origin: germline. Inheritance: Autosomal dominant inheritance. Affected: yes.

PreventionGenetics, part of Exact Sciences
Classification: Benign for LRRC8A-related condition. Last evaluated: 2023-12-04. Review status: no assertion criteria provided. Collection method: clinical testing. Allele origin: germline. Not counted in ClinVar's aggregate classification.
Comment: This variant is classified as benign based on ACMG/AMP sequence variant interpretation guidelines (Richards et al. 2015 PMID: 25741868, with internal and published modifications).

NM_019594.4(LRRC8A):c.1788G>A (p.Leu596=)

Gene: LRRC8A (leucine rich repeat containing 8 VRAC subunit A; plus strand). Cytogenetic location: 9q34.11.
Variant type: single nucleotide variant.
Coding change: c.1788G>A on transcript NM_019594.4 (MANE Select); coding-DNA position 1788, G replaced by A.
Protein change: p.Leu596=; no amino-acid change (leucine 596 retained).
Molecular consequence: synonymous variant.
Genome position (GRCh38, 1-based): chr9:128,908,952, G>A. VCF-style: chr9-128908952-G-A. GRCh37 (hg19) VCF-style: chr9-131671231-G-A.
Other names: c.1788G>A, p.Leu596= (NM_001127244.2, NM_001127245.2).
Identifiers: ClinVar variation 716198 (VCV000716198.13), dbSNP rs116679304, ClinGen allele CA5270949.